The following is an entry in ClinVar:

NM_014855.3(AP5Z1):c.575G>A (p.Gly192Glu)

Gene: AP5Z1 (adaptor related protein complex 5 subunit zeta 1; plus strand). Cytogenetic location: 7p22.1.
Variant type: single nucleotide variant.
Coding change: c.575G>A on transcript NM_014855.3 (MANE Select); coding-DNA position 575, G replaced by A.
Protein change: p.Gly192Glu; replaces glycine 192 with glutamic acid.
Molecular consequence: missense variant. On other transcripts: non-coding transcript variant (1).
Genome position (GRCh38, 1-based): chr7:4,783,752, G>A. VCF-style: chr7-4783752-G-A. GRCh37 (hg19) VCF-style: chr7-4823383-G-A.
Other names: c.107G>A, p.Gly36Glu (NM_001364858.1); c.575G>A (NM_014855.2); short protein forms G36E, G192E.
Identifiers: ClinVar variation 1356956 (VCV001356956.8), dbSNP rs752495902, ClinGen allele CA4137268.

ClinVar aggregate classification (germline): Uncertain significance. Review status: criteria provided, multiple submitters, no conflicts (2 of 4 stars). 2 submissions from 2 submitters: Uncertain significance (2). Last evaluated 2024-10-14.

Conditions:
Hereditary spastic paraplegia 48. Also called: Spastic paraplegia 48; SPASTIC PARAPLEGIA 48, AUTOSOMAL RECESSIVE. Identifiers: Orphanet 306511, MedGen C3150901, MONDO:0013342, OMIM 613647.
Inborn genetic diseases. Identifiers: MedGen C0950123, MeSH D030342.

Allele frequency attached by ClinVar (database versions not stated): gnomAD 0.00001 and 0.00002; TOPMed 0.00002; gnomAD exomes 0.00004; ExAC 0.00005.
gnomAD v4.1: 51 of 1,550,868 alleles (0.0033%); highest among the groups gnomAD compares: Middle Eastern, 0.033%; no homozygotes.

Submissions (2):

Labcorp Genetics (formerly Invitae), Labcorp
Classification: Uncertain significance for Hereditary spastic paraplegia 48. Last evaluated: 2024-10-14. Review status: criteria provided, single submitter. Criteria: Invitae Variant Classification Sherloc (09022015). Collection method: clinical testing. Allele origin: germline.
Comment: This sequence change replaces glycine, which is neutral and non-polar, with glutamic acid, which is acidic and polar, at codon 192 of the AP5Z1 protein (p.Gly192Glu). This variant is present in population databases (rs752495902, gnomAD 0.008%). This variant has not been reported in the literature in individuals affected with AP5Z1-related conditions. ClinVar contains an entry for this variant (Variation ID: 1356956). Invitae Evidence Modeling of protein sequence and biophysical properties (such as structural, functional, and spatial information, amino acid conservation, physicochemical variation, residue mobility, and thermodynamic stability) indicates that this missense variant is not expected to disrupt AP5Z1 protein function with a negative predictive value of 80%. In summary, the available evidence is currently insufficient to determine the role of this variant in disease. Therefore, it has been classified as a Variant of Uncertain Significance.

Ambry Genetics
Classification: Uncertain significance for Inborn genetic diseases. Last evaluated: 2023-12-14. Review status: criteria provided, single submitter. Criteria: Ambry Variant Classification Scheme 2023. Collection method: clinical testing. Allele origin: germline.